The following is an entry in ClinVar:

NM_198525.3(KIF7):c.1843C>A (p.Leu615Met)

Gene: KIF7 (kinesin family member 7; minus strand). Cytogenetic location: 15q26.1.
Variant type: single nucleotide variant.
Coding change: c.1843C>A on transcript NM_198525.3 (MANE Select); coding-DNA position 1843, C replaced by A.
Protein change: p.Leu615Met; replaces leucine 615 with methionine.
Molecular consequence: missense variant.
Genome position (GRCh38, 1-based): chr15:89,645,972, G>T on the plus strand (C>A on the coding strand, the complement: KIF7 is on the minus strand). VCF-style: chr15-89645972-G-T. GRCh37 (hg19) VCF-style: chr15-90189203-G-T.
Other names: short protein forms L615M.
Identifiers: ClinVar variation 2195863 (VCV002195863.5), dbSNP rs765469300, ClinGen allele CA7728435.

ClinVar aggregate classification (germline): Uncertain significance. Review status: criteria provided, multiple submitters, no conflicts (2 of 4 stars). 2 submissions from 2 submitters: Uncertain significance (2). Last evaluated 2024-09-05.

Conditions:
Acrocallosal syndrome (ACLS). Also called: HALLUX DUPLICATION, POSTAXIAL POLYDACTYLY, AND ABSENCE OF CORPUS CALLOSUM; Schinzel syndrome 1; Absence of corpus callosum with unusual facial appearance, mental deficiency, duplication of the halluces and polydactyly. Identifiers: Orphanet 36, MedGen C0796147, MONDO:0008708, OMIM 200990.

Allele frequency attached by ClinVar (database versions not stated): ExAC 0.00002.
gnomAD v4.1: 26 of 1,613,774 alleles (0.0016%); highest among the groups gnomAD compares: Non-Finnish European, 0.0021%; no homozygotes.

Submissions (2):

Blueprint Genetics
Classification: Uncertain significance. Last evaluated: 2024-09-05. Review status: criteria provided, single submitter. Criteria: ACMG Guidelines, 2015. Collection method: clinical testing. Allele origin: germline.

Labcorp Genetics (formerly Invitae), Labcorp
Classification: Uncertain significance for Acrocallosal syndrome. Last evaluated: 2022-06-14. Review status: criteria provided, single submitter. Criteria: Invitae Variant Classification Sherloc (09022015). Collection method: clinical testing. Allele origin: germline.
Comment: This sequence change replaces leucine, which is neutral and non-polar, with methionine, which is neutral and non-polar, at codon 615 of the KIF7 protein (p.Leu615Met). This variant is present in population databases (rs765469300, gnomAD 0.007%). This variant has not been reported in the literature in individuals affected with KIF7-related conditions. Algorithms developed to predict the effect of missense changes on protein structure and function (SIFT, PolyPhen-2, Align-GVGD) all suggest that this variant is likely to be tolerated. In summary, the available evidence is currently insufficient to determine the role of this variant in disease. Therefore, it has been classified as a Variant of Uncertain Significance.